The following is an entry in ClinVar:

NM_014425.5(INVS):c.1040A>T (p.Asp347Val)

Gene: INVS (inversin; plus strand). Cytogenetic location: 9q31.1.
Variant type: single nucleotide variant.
Coding change: c.1040A>T on transcript NM_014425.5 (MANE Select); coding-DNA position 1040, A replaced by T.
Protein change: p.Asp347Val; replaces aspartic acid 347 with valine.
Molecular consequence: missense variant. On other transcripts: non-coding transcript variant (1).
Genome position (GRCh38, 1-based): chr9:100,246,749, A>T. VCF-style: chr9-100246749-A-T. GRCh37 (hg19) VCF-style: chr9-103009031-A-T.
Other names: c.752A>T, p.Asp251Val (NM_001318381.2); c.62A>T, p.Asp21Val (NM_001318382.2); short protein forms D251V, D347V, D21V.
Identifiers: ClinVar variation 4978452 (VCV004978452.1).

ClinVar aggregate classification (germline): Uncertain significance (1 of 4 stars; one submission).

Conditions:
INVS-related disorder. Also called: INVS-related condition.

gnomAD v4.1: 4 of 1,614,058 alleles (0.00025%); highest among the groups gnomAD compares: Admixed American, 0.0033%; no homozygotes.

Submission:

PreventionGenetics, part of Exact Sciences
Classification: Uncertain significance for INVS-related condition. Last evaluated: 2026-05-27. Review status: criteria provided, single submitter. Criteria: ACMG Guidelines, 2015. Collection method: clinical testing. Allele origin: germline.
Comment: The INVS c.1040A>T variant is predicted to result in the amino acid substitution p.Asp347Val. To our knowledge, this variant has not been reported in the literature. This variant is reported in 0.0058% of alleles in individuals of Latino descent in gnomAD. At this time, the clinical significance of this variant is uncertain due to the absence of conclusive functional and genetic evidence.